The following is an entry in ClinVar:

NM_006267.5(RANBP2):c.4974dup (p.Glu1659Ter)

Gene: RANBP2 (RAN binding protein 2; plus strand). Cytogenetic location: 2q13.
Variant type: Duplication.
Coding change: c.4974dup on transcript NM_006267.5 (MANE Select); coding-DNA position 4974, one base duplicated (T; older notation c.4974dupT).
Protein change: p.Glu1659Ter; replaces glutamic acid 1659 with a stop codon.
Molecular consequence: nonsense.
Genome position (GRCh38, 1-based): chr2:108,765,513, T duplicated; the last of 3 consecutive T bases (chr2:108,765,511-108,765,513); duplicating any one gives the same sequence. VCF-style (leftmost placement, unchanged base first): chr2-108765510-A-AT. GRCh37 (hg19) VCF-style: chr2-109381966-A-AT.
Other names: short protein forms E1659*.
Identifiers: ClinVar variation 1062822 (VCV001062822.8), dbSNP rs2149277495, ClinGen allele CA2499214945.

ClinVar aggregate classification (germline): Uncertain significance (1 of 4 stars; one submission).

Conditions:
Familial acute necrotizing encephalopathy (IIAE3). Also called: ENCEPHALOPATHY, ACUTE, INFECTION-INDUCED, SUSCEPTIBILITY TO, 3; Susceptibility to Acute Necrotizing Encephalopathy 1. Identifiers: Orphanet 88619, MedGen C2675556, MONDO:0011953, OMIM 608033.

Submission:

Labcorp Genetics (formerly Invitae), Labcorp
Classification: Uncertain significance for Familial acute necrotizing encephalopathy. Last evaluated: 2020-03-06. Review status: criteria provided, single submitter. Criteria: Invitae Variant Classification Sherloc (09022015). Collection method: clinical testing. Allele origin: germline.
Comment: In summary, the available evidence is currently insufficient to determine the role of this variant in disease. Therefore, it has been classified as a Variant of Uncertain Significance. The current clinical and genetic evidence is not sufficient to establish whether loss-of-function variants in RANBP2 cause disease. This variant has not been reported in the literature in individuals with RANBP2-related conditions. This variant is not present in population databases (ExAC no frequency). This sequence change creates a premature translational stop signal (p.Glu1659*) in the RANBP2 gene. It is expected to result in an absent or disrupted protein product.